The following is an entry in ClinVar:

ClinVar aggregate classification (germline): Likely benign. Review status: criteria provided, multiple submitters, no conflicts (2 of 4 stars). 2 submissions from 2 submitters: Likely benign (2). Last evaluated 2023-07-26.

Conditions:
Early-infantile DEE. Also called: Early infantile epileptic encephalopathy; Ohtahara syndrome; Early infantile epileptic encephalopathy with suppression bursts. Identifiers: Orphanet 1934, MedGen C0393706, MONDO:0800491.

Allele frequency attached by ClinVar (database versions not stated): gnomAD exomes below 0.00001.
gnomAD v4.1: 2 of 1,613,966 alleles (0.00012%); highest among the groups gnomAD compares: African/African-American, 0.0013%; no homozygotes.

Submissions (2):

Women's Health and Genetics/Laboratory Corporation of America, LabCorp
Classification: Likely benign. Last evaluated: 2023-07-26. Review status: criteria provided, single submitter. Criteria: LabCorp Variant Classification Summary - May 2015. Collection method: clinical testing. Allele origin: germline.
Comment: Variant summary: SCN8A c.2242T>C alters a non-conserved nucleotide resulting in a synonymous change. Computational tools predict no significant impact on normal splicing. However, these predictions have yet to be confirmed by functional studies. The variant was absent in 249234 control chromosomes (gnomAD). The available data on variant occurrences in the general population are insufficient to allow any conclusion about variant significance. To our knowledge, no occurrence of c.2242T>C in individuals affected with Early Infantile Epileptic Encephalopathy 13 and no experimental evidence demonstrating its impact on protein function have been reported. One ClinVar submitter has assessed the variant since 2014, and classified the variant as likely benign. Based on the evidence outlined above, the variant was classified as likely benign.

Labcorp Genetics (formerly Invitae), Labcorp
Classification: Likely benign for Early-infantile DEE. Last evaluated: 2023-04-24. Review status: criteria provided, single submitter. Criteria: Invitae Variant Classification Sherloc (09022015). Collection method: clinical testing. Allele origin: germline.

NM_001330260.2(SCN8A):c.2242T>C (p.Leu748=)

Gene: SCN8A (sodium voltage-gated channel alpha subunit 8; plus strand). Cytogenetic location: 12q13.13.
Variant type: single nucleotide variant.
Coding change: c.2242T>C on transcript NM_001330260.2 (MANE Select); coding-DNA position 2242, T replaced by C.
Protein change: p.Leu748=; no amino-acid change (leucine 748 retained).
Molecular consequence: synonymous variant.
Genome position (GRCh38, 1-based): chr12:51,751,465, T>C. VCF-style: chr12-51751465-T-C. GRCh37 (hg19) VCF-style: chr12-52145249-T-C.
Other names: c.2242T>C (NM_014191.3); c.2242T>C, p.Leu748= (NM_001177984.3, NM_001369788.1, NM_014191.4).
Identifiers: ClinVar variation 1535241 (VCV001535241.9), dbSNP rs2138838573, ClinGen allele CA480061098.